The following is an entry in ClinVar:

ClinVar aggregate classification (germline): Uncertain significance. Review status: criteria provided, multiple submitters, no conflicts (2 of 4 stars). 6 submissions from 6 submitters: Uncertain significance (5). 1 of the submissions does not count toward it. Last evaluated 2025-05-20.

Conditions:
Inborn genetic diseases. Identifiers: MedGen C0950123, MeSH D030342.
Curry-Hall syndrome (WAD). Also called: WEYERS ACRODENTAL DYSOSTOSIS. Identifiers: Orphanet 952, MedGen C0457013, MONDO:0008673, OMIM 193530.
Ellis-van Creveld syndrome (EVC). Also called: Chondroectodermal dysplasia; MESOECTODERMAL DYSPLASIA; EVC-Related Ellis-van Creveld Syndrome; EVC2-Related Ellis-van Creveld Syndrome. Identifiers: Orphanet 289, MedGen C0013903, MONDO:0009162, OMIM 225500.

Allele frequency attached by ClinVar (database versions not stated): gnomAD 0.00009; TOPMed 0.00010; gnomAD exomes 0.00014 and 0.00015; ESP Exome Variant Server 0.00015; ExAC 0.00019.
gnomAD v4.1: 218 of 1,613,560 alleles (0.014%); highest among the groups gnomAD compares: Non-Finnish European, 0.017%; no homozygotes.

Submissions (6):

Ambry Genetics
Classification: Uncertain significance for Inborn genetic diseases. Last evaluated: 2025-05-20. Review status: criteria provided, single submitter. Criteria: Ambry Variant Classification Scheme 2023. Collection method: clinical testing. Allele origin: germline.

GeneDx
Classification: Uncertain significance. Last evaluated: 2025-01-13. Review status: criteria provided, single submitter. Criteria: GeneDx Variant Classification Process June 2021. Collection method: clinical testing. Allele origin: germline. Affected: yes.
Comment: In silico analysis indicates that this missense variant does not alter protein structure/function; Has not been previously published as pathogenic or benign to our knowledge

Labcorp Genetics (formerly Invitae), Labcorp
Classification: Uncertain significance for Curry-Hall syndrome; Ellis-van Creveld syndrome. Last evaluated: 2024-10-25. Review status: criteria provided, single submitter. Criteria: Invitae Variant Classification Sherloc (09022015). Collection method: clinical testing. Allele origin: germline.
Comment: This sequence change replaces leucine, which is neutral and non-polar, with valine, which is neutral and non-polar, at codon 582 of the EVC protein (p.Leu582Val). This variant is present in population databases (rs367863826, gnomAD 0.03%). This variant has not been reported in the literature in individuals affected with EVC-related conditions. ClinVar contains an entry for this variant (Variation ID: 452104). Invitae Evidence Modeling of protein sequence and biophysical properties (such as structural, functional, and spatial information, amino acid conservation, physicochemical variation, residue mobility, and thermodynamic stability) indicates that this missense variant is not expected to disrupt EVC protein function with a negative predictive value of 95%. In summary, the available evidence is currently insufficient to determine the role of this variant in disease. Therefore, it has been classified as a Variant of Uncertain Significance.

Women's Health and Genetics/Laboratory Corporation of America, LabCorp
Classification: Uncertain significance. Last evaluated: 2024-06-17. Review status: criteria provided, single submitter. Criteria: LabCorp Variant Classification Summary - May 2015. Collection method: clinical testing. Allele origin: germline.
Comment: Variant summary: EVC c.1744C>G (p.Leu582Val) results in a conservative amino acid change in the encoded protein sequence. Four of five in-silico tools predict a benign effect of the variant on protein function. The variant allele was found at a frequency of 0.00015 in 249558 control chromosomes. This frequency is not significantly higher than estimated for a pathogenic variant in EVC causing Ellis-van Creveld syndrome, allowing no conclusion about variant significance. To our knowledge, no occurrence of c.1744C>G in individuals affected with Ellis-van Creveld syndrome and no experimental evidence demonstrating its impact on protein function have been reported. ClinVar contains an entry for this variant (Variation ID: 452104). Based on the evidence outlined above, the variant was classified as uncertain significance.

Department of Pathology and Laboratory Medicine, Sinai Health System
Classification: Uncertain significance for Curry-Hall syndrome; Ellis-van Creveld syndrome. Last evaluated: 2022-01-27. Review status: criteria provided, single submitter. Criteria: ACMG Guidelines, 2015. Collection method: research. Allele origin: germline.

Natera, Inc.
Classification: Uncertain significance for Ellis-van Creveld syndrome. Last evaluated: 2019-10-28. Review status: no assertion criteria provided. Collection method: clinical testing. Allele origin: germline. Not counted in ClinVar's aggregate classification.

NM_153717.3(EVC):c.1744C>G (p.Leu582Val)

Gene: EVC (EvC ciliary complex subunit 1; plus strand). Cytogenetic location: 4p16.2.
Variant type: single nucleotide variant.
Coding change: c.1744C>G on transcript NM_153717.3 (MANE Select); coding-DNA position 1744, C replaced by G.
Protein change: p.Leu582Val; replaces leucine 582 with valine.
Molecular consequence: missense variant.
Genome position (GRCh38, 1-based): chr4:5,783,732, C>G. VCF-style: chr4-5783732-C-G. GRCh37 (hg19) VCF-style: chr4-5785459-C-G.
Other names: c.1744C>G, p.Leu582Val (NM_001306090.2); short protein forms L582V.
Identifiers: ClinVar variation 452104 (VCV000452104.10), dbSNP rs367863826, ClinGen allele CA2836240.